The following is an entry in ClinVar:

ClinVar aggregate classification (germline): Conflicting classifications of pathogenicity. Review status: criteria provided, conflicting classifications (1 of 4 stars). 7 submissions from 7 submitters: Uncertain significance (6); Likely benign (1). Last evaluated 2025-11-06.

Conditions:
Hereditary cancer-predisposing syndrome. Also called: Hereditary neoplastic syndrome; Hereditary Cancer Syndrome; Tumor predisposition; Neoplastic Syndromes, Hereditary. Identifiers: Orphanet 140162, MedGen C0027672, MeSH D009386, MONDO:0015356.
Hereditary breast ovarian cancer syndrome. Also called: Breast and ovarian cancer; Hereditary breast and ovarian cancer; BRCA1- and BRCA2-Associated Hereditary Breast and Ovarian Cancer; Hereditary breast and/or ovarian cancer syndrome; Hereditary breast and ovarian cancer syndrome; Hereditary breast and ovarian cancer syndrome (HBOC). Identifiers: Orphanet 145, MedGen C0677776, MeSH D061325, MONDO:0003582. Disease mechanism: loss of function.
BRCA2-related cancer predisposition. Identifiers: MedGen CN377758, MONDO:0700269.

Allele frequency attached by ClinVar (database versions not stated): gnomAD exomes below 0.00001 and 0.00001; ExAC 0.00001.
gnomAD v4.1: 3 of 1,612,920 alleles (0.00019%); highest among the groups gnomAD compares: Admixed American, 0.0033%; no homozygotes.

Submissions (7):

Quest Diagnostics Nichols Institute San Juan Capistrano
Classification: Uncertain significance. Last evaluated: 2025-11-06. Review status: criteria provided, single submitter. Criteria: Quest Diagnostics criteria. Collection method: clinical testing. Allele origin: unknown.
Comment: The BRCA2 c.3655T>G (p.Phe1219Val) variant has been reported in the published literature in an individual with a personal and/or family history of breast cancer (PMID: 35980532 (2022)) and is described to be located in a region of the BRCA2 gene that is tolerant to missense sequence changes (PMID: 31911673 (2020)). The frequency of this variant in the general population (Genome Aggregation Database) is uninformative in the assessment of its pathogenicity. Analysis of this variant using bioinformatics tools for the prediction of the effect of amino acid changes on protein structure and function yielded predictions that this variant is damaging. Based on the available information, we are unable to determine the clinical significance of this variant.

Ambry Genetics
Classification: Uncertain significance for Hereditary cancer-predisposing syndrome. Last evaluated: 2025-09-28. Review status: criteria provided, single submitter. Criteria: Ambry Variant Classification Scheme 2023. Collection method: clinical testing. Allele origin: germline.
Comment: The p.F1219V variant (also known as c.3655T>G), located in coding exon 10 of the BRCA2 gene, results from a T to G substitution at nucleotide position 3655. The phenylalanine at codon 1219 is replaced by valine, an amino acid with highly similar properties. This amino acid position is highly conserved in available vertebrate species. In addition, this alteration is predicted to be deleterious by in silico analysis. Since supporting evidence is limited at this time, the clinical significance of this alteration remains unclear.

Labcorp Genetics (formerly Invitae), Labcorp
Classification: Uncertain significance for Hereditary breast ovarian cancer syndrome. Last evaluated: 2025-09-15. Review status: criteria provided, single submitter. Criteria: Invitae Variant Classification Sherloc (09022015). Collection method: clinical testing. Allele origin: germline.
Comment: This sequence change replaces phenylalanine, which is neutral and non-polar, with valine, which is neutral and non-polar, at codon 1219 of the BRCA2 protein (p.Phe1219Val). This variant is present in population databases (rs80358610, gnomAD 0.0009%). This missense change has been observed in individual(s) with Breast cancer (PMID: 35980532). ClinVar contains an entry for this variant (Variation ID: 438971). Invitae Evidence Modeling of protein sequence and biophysical properties (such as structural, functional, and spatial information, amino acid conservation, physicochemical variation, residue mobility, and thermodynamic stability) has been performed for this missense variant. However, the output from this modeling did not meet the statistical confidence thresholds required to predict the impact of this variant on BRCA2 protein function. In summary, the available evidence is currently insufficient to determine the role of this variant in disease. Therefore, it has been classified as a Variant of Uncertain Significance.

Women's Health and Genetics/Laboratory Corporation of America, LabCorp
Classification: Uncertain significance. Last evaluated: 2024-10-28. Review status: criteria provided, single submitter. Criteria: LabCorp Variant Classification Summary - May 2015. Collection method: clinical testing. Allele origin: germline.
Comment: Variant summary: BRCA2 c.3655T>G (p.Phe1219Val) results in a non-conservative amino acid change in the encoded protein sequence. Five of five in-silico tools predict a damaging effect of the variant on protein function. The variant allele was found at a frequency of 4e-06 in 250274 control chromosomes (gnomAD). The available data on variant occurrences in the general population are insufficient to allow any conclusion about variant significance. c.3655T>G has been reported in the literature in an individual affected with a personal and/or family history of breast cancer (Pereira_2022). This report does not provide unequivocal conclusions about association of the variant with Hereditary Breast And Ovarian Cancer Syndrome. To our knowledge, no experimental evidence demonstrating an impact on protein function has been reported. The following publication has been ascertained in the context of this evaluation (PMID: 35980532). ClinVar contains an entry for this variant (Variation ID: 438971). Based on the evidence outlined above, the variant was classified as uncertain significance.

All of Us Research Program, National Institutes of Health
Classification: Uncertain significance for BRCA2-related cancer predisposition. Last evaluated: 2024-08-23. Review status: criteria provided, single submitter. Criteria: ACMG Guidelines, 2015. Collection method: clinical testing. Allele origin: germline. Inheritance: Autosomal dominant inheritance. Observed: 3 variant alleles, 3 heterozygotes.
Comment: This missense variant replaces phenylalanine with valine at codon 1219 of the BRCA2 protein. Computational prediction suggests that this variant may have deleterious impact on protein structure and function (internally defined REVEL score threshold >= 0.7, PMID: 27666373). To our knowledge, functional studies have not been reported for this variant. This variant has been reported in an individual with a personal or family history of breast cancer (PMID: 35980532). This variant has been identified in 1/250274 chromosomes in the general population by the Genome Aggregation Database (gnomAD). The available evidence is insufficient to determine the role of this variant in disease conclusively. Therefore, this variant is classified as a Variant of Uncertain Significance.

This study involves interpretation of variants in research participants for the purpose of population health screening. Participant phenotype was not available at the time of variant classification. Additional details can be found in publication PMID: 35346344, PMCID: PMC8962531

Color Diagnostics, LLC DBA Color Health
Classification: Uncertain significance for Hereditary cancer-predisposing syndrome. Last evaluated: 2023-09-18. Review status: criteria provided, single submitter. Criteria: ACMG Guidelines, 2015. Collection method: clinical testing. Allele origin: germline.
Comment: This missense variant replaces phenylalanine with valine at codon 1219 of the BRCA2 protein. Computational prediction suggests that this variant may have deleterious impact on protein structure and function (internally defined REVEL score threshold >= 0.7, PMID: 27666373). To our knowledge, functional studies have not been reported for this variant. This variant has been reported in an individual with a personal or family history of breast cancer (PMID: 35980532). This variant has been identified in 1/250274 chromosomes in the general population by the Genome Aggregation Database (gnomAD). The available evidence is insufficient to determine the role of this variant in disease conclusively. Therefore, this variant is classified as a Variant of Uncertain Significance.

University of Washington Department of Laboratory Medicine, University of Washington
Classification: Likely benign for Hereditary cancer-predisposing syndrome. Last evaluated: 2023-03-23. Review status: criteria provided, single submitter. Criteria: Dines et al. (Genet Med. 2020). Collection method: curation. Allele origin: germline.
Comment: Missense variant in a coldspot region where missense variants are very unlikely to be pathogenic (PMID:31911673).

BRCA2 exon 11 coldspot. Reclassification based on statistical prior probability.

Literature cited by the submitters: PubMed 35980532 (cited by 5 submitters); PubMed 31911673 (cited by Quest Diagnostics Nichols Institute San Juan Capistrano).

NM_000059.4(BRCA2):c.3655T>G (p.Phe1219Val)

Gene: BRCA2 (BRCA2 DNA repair associated; plus strand). Cytogenetic location: 13q13.1.
Variant type: single nucleotide variant.
Coding change: c.3655T>G on transcript NM_000059.4 (MANE Select); coding-DNA position 3655, T replaced by G.
Protein change: p.Phe1219Val; replaces phenylalanine 1219 with valine.
Molecular consequence: missense variant.
Genome position (GRCh38, 1-based): chr13:32,338,010, T>G. VCF-style: chr13-32338010-T-G. GRCh37 (hg19) VCF-style: chr13-32912147-T-G.
Other names: short protein forms F1219V.
Identifiers: ClinVar variation 438971 (VCV000438971.22), dbSNP rs80358610, ClinGen allele CA6940713.